The following is an entry in ClinVar:

NM_000271.5(NPC1):c.984C>T (p.Ser328=)

Gene: NPC1 (NPC intracellular cholesterol transporter 1; minus strand). Cytogenetic location: 18q11.2.
Variant type: single nucleotide variant.
Coding change: c.984C>T on transcript NM_000271.5 (MANE Select); coding-DNA position 984, C replaced by T.
Protein change: p.Ser328=; no amino-acid change (serine 328 retained).
Molecular consequence: synonymous variant.
Genome position (GRCh38, 1-based): chr18:23,556,585, G>A on the plus strand (C>T on the coding strand, the complement: NPC1 is on the minus strand). VCF-style: chr18-23556585-G-A. GRCh37 (hg19) VCF-style: chr18-21136549-G-A.
Identifiers: ClinVar variation 889539 (VCV000889539.9), dbSNP rs760861487, ClinGen allele CA8913559.

ClinVar aggregate classification (germline): Conflicting classifications of pathogenicity. Review status: criteria provided, conflicting classifications (1 of 4 stars). 3 submissions from 3 submitters: Uncertain significance (1); Likely benign (1). 1 of the submissions does not count toward it. Last evaluated 2026-01-28.

Conditions:
NPC1-related disorder. Also called: NPC1-related condition.
Niemann-Pick disease, type C1. Also called: NEUROVISCERAL STORAGE DISEASE WITH VERTICAL SUPRANUCLEAR OPHTHALMOPLEGIA; NIEMANN-PICK DISEASE WITH CHOLESTEROL ESTERIFICATION BLOCK; NIEMANN-PICK DISEASE WITHOUT SPHINGOMYELINASE DEFICIENCY; NIEMANN-PICK DISEASE, CHRONIC NEURONOPATHIC FORM; NIEMANN-PICK DISEASE, VARIANT TYPE C1. Identifiers: Orphanet 646, MedGen C3179455, MONDO:0009757, OMIM 257220.

Allele frequency attached by ClinVar (database versions not stated): gnomAD exomes below 0.00001 and 0.00001; TOPMed below 0.00001; ExAC 0.00001.
gnomAD v4.1: 12 of 1,614,096 alleles (0.00074%); highest among the groups gnomAD compares: Admixed American, 0.0033%; no homozygotes.

Submissions (3):

Labcorp Genetics (formerly Invitae), Labcorp
Classification: Likely benign for Niemann-Pick disease, type C1. Last evaluated: 2026-01-28. Review status: criteria provided, single submitter. Criteria: Invitae Variant Classification Sherloc (09022015). Collection method: clinical testing. Allele origin: germline.

Illumina Laboratory Services, Illumina
Classification: Uncertain significance for Niemann-Pick disease type C1. Last evaluated: 2018-01-12. Review status: criteria provided, single submitter. Criteria: ICSL Variant Classification Criteria 13 December 2019. Collection method: clinical testing. Allele origin: germline.

PreventionGenetics, part of Exact Sciences
Classification: Likely benign for NPC1-related condition. Last evaluated: 2022-06-16. Review status: no assertion criteria provided. Collection method: clinical testing. Allele origin: germline. Not counted in ClinVar's aggregate classification.
Comment: This variant is classified as likely benign based on ACMG/AMP sequence variant interpretation guidelines (Richards et al. 2015 PMID: 25741868, with internal and published modifications).